The following is an entry in ClinVar:

ClinVar aggregate classification (germline): Uncertain significance. Review status: criteria provided, multiple submitters, no conflicts (2 of 4 stars). 2 submissions from 2 submitters: Uncertain significance (2). Last evaluated 2024-03-06.

Conditions:
Hereditary cancer-predisposing syndrome. Also called: Tumor predisposition; Neoplastic Syndromes, Hereditary; Hereditary Cancer Syndrome; Hereditary neoplastic syndrome. Identifiers: Orphanet 140162, MedGen C0027672, MeSH D009386, MONDO:0015356.
Ataxia-telangiectasia syndrome (AT). Also called: Ataxia-telangiectasia; LOUIS-BAR SYNDROME; Ataxia-telangiectasia, complementation group D; AT, COMPLEMENTATION GROUP C; ATAXIA-TELANGIECTASIA, COMPLEMENTATION GROUP A; ATAXIA-TELANGIECTASIA, FRESNO VARIANT. Identifiers: Orphanet 100, MedGen C0004135, MONDO:0008840, OMIM 208900.

Submissions (2):

Labcorp Genetics (formerly Invitae), Labcorp
Classification: Uncertain significance for Ataxia-telangiectasia syndrome. Last evaluated: 2024-03-06. Review status: criteria provided, single submitter. Criteria: Invitae Variant Classification Sherloc (09022015). Collection method: clinical testing. Allele origin: germline.
Comment: This sequence change replaces proline, which is neutral and non-polar, with leucine, which is neutral and non-polar, at codon 2353 of the ATM protein (p.Pro2353Leu). This variant is not present in population databases (gnomAD no frequency). This variant has not been reported in the literature in individuals affected with ATM-related conditions. ClinVar contains an entry for this variant (Variation ID: 1381676). An algorithm developed to predict the effect of missense changes on protein structure and function (PolyPhen-2) suggests that this variant is likely to be disruptive. In summary, the available evidence is currently insufficient to determine the role of this variant in disease. Therefore, it has been classified as a Variant of Uncertain Significance.

Ambry Genetics
Classification: Uncertain significance for Hereditary cancer-predisposing syndrome. Last evaluated: 2023-10-30. Review status: criteria provided, single submitter. Criteria: Ambry Variant Classification Scheme 2023. Collection method: clinical testing. Allele origin: germline.
Comment: The p.P2353L variant (also known as c.7058C>T), located in coding exon 47 of the ATM gene, results from a C to T substitution at nucleotide position 7058. The proline at codon 2353 is replaced by leucine, an amino acid with similar properties. This amino acid position is highly conserved in available vertebrate species. In addition, this alteration is predicted to be deleterious by in silico analysis. Since supporting evidence is limited at this time, the clinical significance of this alteration remains unclear.

NM_000051.4(ATM):c.7058C>T (p.Pro2353Leu)

Genes: ATM (ATM serine/threonine kinase; plus strand), C11orf65 (chromosome 11 open reading frame 65; minus strand). Cytogenetic location: 11q22.3.
Variant type: single nucleotide variant.
Coding change: c.7058C>T on transcript NM_000051.4 (MANE Select); coding-DNA position 7058, C replaced by T.
Protein change: p.Pro2353Leu; replaces proline 2353 with leucine.
Molecular consequence: missense variant. On other transcripts: intron variant (2).
Genome position (GRCh38, 1-based): chr11:108,327,727, C>T. VCF-style: chr11-108327727-C-T. GRCh37 (hg19) VCF-style: chr11-108198454-C-T.
Other names: c.7058C>T, p.Pro2353Leu (NM_001351834.2); c.641-18656G>A (NM_001330368.2); c.*38+7493G>A (NM_001351110.2); short protein forms P2353L.
Identifiers: ClinVar variation 1381676 (VCV001381676.10), dbSNP rs2136377844, ClinGen allele CA382559014.
Genomic context (GRCh38, chr11:108,327,727, plus strand): 5'-CATACACAGAATGTCTGAGGGTTTGTGGCAACTGGTTAGCAGAAACGTGCTTAGAAAATC[C>T]TGCGGTCATCATGCAGACCTATCTAGAAAAGGTAAGATTTTTGGAGCAACCCTTAAGATA-3'
Protein context (NP_000042.3, residues 2343-2363): NWLAETCLEN[Pro2353Leu]AVIMQTYLEK